The following is an entry in ClinVar:

ClinVar aggregate classification (germline): Uncertain significance (1 of 4 stars; one submission).

Conditions:
T-cell immunodeficiency, congenital alopecia, and nail dystrophy. Also called: Congenital alopecia and nail dystrophy associated with severe functional T-cell immunodeficiency; Pignata Guarino syndrome. Identifiers: Orphanet 169095, MedGen C1866426, MONDO:0011132, OMIM 601705.

Allele frequency attached by ClinVar (database versions not stated): gnomAD exomes below 0.00001; ExAC 0.00001; gnomAD 0.00001; TOPMed 0.00001.
gnomAD v4.1: 2 of 1,613,662 alleles (0.00012%); highest among the groups gnomAD compares: East Asian, 0.0022%; no homozygotes.

Submission:

Labcorp Genetics (formerly Invitae), Labcorp
Classification: Uncertain significance for T-cell immunodeficiency, congenital alopecia, and nail dystrophy. Last evaluated: 2022-10-13. Review status: criteria provided, single submitter. Criteria: Invitae Variant Classification Sherloc (09022015). Collection method: clinical testing. Allele origin: germline.
Comment: This sequence change replaces serine, which is neutral and polar, with arginine, which is basic and polar, at codon 47 of the FOXN1 protein (p.Ser47Arg). This variant is present in population databases (rs776864437, gnomAD 0.006%). This variant has not been reported in the literature in individuals affected with FOXN1-related conditions. ClinVar contains an entry for this variant (Variation ID: 863372). Advanced modeling of protein sequence and biophysical properties (such as structural, functional, and spatial information, amino acid conservation, physicochemical variation, residue mobility, and thermodynamic stability) performed at Invitae indicates that this missense variant is not expected to disrupt FOXN1 protein function. In summary, the available evidence is currently insufficient to determine the role of this variant in disease. Therefore, it has been classified as a Variant of Uncertain Significance.

NM_001369369.1(FOXN1):c.141C>A (p.Ser47Arg)

Gene: FOXN1 (forkhead box N1; plus strand). Cytogenetic location: 17q11.2.
Variant type: single nucleotide variant.
Coding change: c.141C>A on transcript NM_001369369.1 (MANE Select); coding-DNA position 141, C replaced by A.
Protein change: p.Ser47Arg; replaces serine 47 with arginine.
Molecular consequence: missense variant.
Genome position (GRCh38, 1-based): chr17:28,524,520, C>A. VCF-style: chr17-28524520-C-A. GRCh37 (hg19) VCF-style: chr17-26851538-C-A.
Other names: c.141C>A, p.Ser47Arg (NM_003593.3); short protein forms S47R.
Identifiers: ClinVar variation 863372 (VCV000863372.3), dbSNP rs776864437, ClinGen allele CA8459159.